The following is an entry in ClinVar:

NM_018896.5(CACNA1G):c.5367C>T (p.Gly1789=)

Gene: CACNA1G (calcium voltage-gated channel subunit alpha1 G; plus strand). Cytogenetic location: 17q21.33.
Variant type: single nucleotide variant.
Coding change: c.5367C>T on transcript NM_018896.5 (MANE Select); coding-DNA position 5367, C replaced by T.
Protein change: p.Gly1789=; no amino-acid change (glycine 1789 retained).
Molecular consequence: synonymous variant. On other transcripts: non-coding transcript variant (5).
Genome position (GRCh38, 1-based): chr17:50,618,283, C>T. VCF-style: chr17-50618283-C-T. GRCh37 (hg19) VCF-style: chr17-48695644-C-T.
Other names: c.5367C>T, p.Gly1789= (NM_198385.3, NM_198384.3, NM_001256333.2); c.5313C>T, p.Gly1771= (NM_198386.3, NM_001256324.2); c.5265C>T, p.Gly1755= (NM_198387.3, NM_198396.3, NM_198379.3 and 2 more transcripts); c.5244C>T, p.Gly1748= (NM_198388.3); c.5334C>T, p.Gly1778= (NM_198378.3, NM_198380.3, NM_001256334.2 and 1 more transcripts); c.5298C>T, p.Gly1766= (NM_198382.3, NM_198383.3); c.5388C>T, p.Gly1796= (NM_001256325.2); c.5232C>T, p.Gly1744= (NM_001256326.2, NM_001256330.2); and 7 more.
Identifiers: ClinVar variation 4534951 (VCV004534951.7).

ClinVar aggregate classification (germline): Likely benign. Review status: criteria provided, multiple submitters, no conflicts (2 of 4 stars). 2 submissions from 2 submitters: Likely benign (2). Last evaluated 2025-11-23.

gnomAD v4.1: 13 of 1,613,730 alleles (0.00081%); highest among the groups gnomAD compares: Admixed American, 0.022%; no homozygotes.

Submissions (2):

Labcorp Genetics (formerly Invitae), Labcorp
Classification: Likely benign. Last evaluated: 2025-11-23. Review status: criteria provided, single submitter. Criteria: Invitae Variant Classification Sherloc (09022015). Collection method: clinical testing. Allele origin: germline.

CeGaT Center for Human Genetics Tuebingen
Classification: Likely benign. Last evaluated: 2025-10-01. Review status: criteria provided, single submitter. Criteria: CeGaT Center For Human Genetics Tuebingen Variant Classification Criteria Version 2. Collection method: clinical testing. Allele origin: germline. Affected: yes. Observed: 1 variant allele.
Comment: CACNA1G: BP4, BP7